The following is an entry in ClinVar:

ClinVar aggregate classification (germline): Uncertain significance (1 of 4 stars; one submission).

Conditions:
Malignant hyperthermia, susceptibility to, 5 (MHS5). Also called: CACNA1S-Related Malignant Hyperthermia Susceptibility. Identifiers: Orphanet 423, MedGen C1866077, MONDO:0011163, OMIM 601887.
Hypokalemic periodic paralysis, type 1. Also called: Hypokalemic Periodic Paralysis Type 1 (AD); HypoPP. Identifiers: Orphanet 681, MedGen C3714580, MONDO:0042979, OMIM 170400.

Submission:

Labcorp Genetics (formerly Invitae), Labcorp
Classification: Uncertain significance for Hypokalemic periodic paralysis, type 1; Malignant hyperthermia, susceptibility to, 5. Last evaluated: 2022-11-16. Review status: criteria provided, single submitter. Criteria: Invitae Variant Classification Sherloc (09022015). Collection method: clinical testing. Allele origin: germline.
Comment: Advanced modeling of protein sequence and biophysical properties (such as structural, functional, and spatial information, amino acid conservation, physicochemical variation, residue mobility, and thermodynamic stability) performed at Invitae indicates that this missense variant is not expected to disrupt CACNA1S protein function. In summary, the available evidence is currently insufficient to determine the role of this variant in disease. Therefore, it has been classified as a Variant of Uncertain Significance. This variant has not been reported in the literature in individuals affected with CACNA1S-related conditions. This variant is not present in population databases (gnomAD no frequency). This sequence change replaces methionine, which is neutral and non-polar, with isoleucine, which is neutral and non-polar, at codon 1041 of the CACNA1S protein (p.Met1041Ile).

NM_000069.3(CACNA1S):c.3123G>A (p.Met1041Ile)

Gene: CACNA1S (calcium voltage-gated channel subunit alpha1 S; minus strand). Cytogenetic location: 1q32.1.
Variant type: single nucleotide variant.
Coding change: c.3123G>A on transcript NM_000069.3 (MANE Select); coding-DNA position 3123, G replaced by A.
Protein change: p.Met1041Ile; replaces methionine 1041 with isoleucine.
Molecular consequence: missense variant.
Genome position (GRCh38, 1-based): chr1:201,061,399, C>T on the plus strand (G>A on the coding strand, the complement: CACNA1S is on the minus strand). VCF-style: chr1-201061399-C-T. GRCh37 (hg19) VCF-style: chr1-201030527-C-T.
Other names: short protein forms M1041I.
Identifiers: ClinVar variation 2927005 (VCV002927005.3), dbSNP rs2464497857, ClinGen allele CA344162582.
Genomic context (GRCh38, chr1:201,061,399, plus strand): 5'-CACAAAGATGTTCATCATGAAGAAGGCAATGAGGATGATGTAGATGATGAAGAAGATGGC[C>T]ATCTCCACACGGTTGTTGTAGATGGGACCCACGTCCTCCGCATTGGAGTCTATGGCCTTG-3'
Protein context (NP_000060.2, residues 1031-1051): VGPIYNNRVE[Met1041Ile]AIFFIIYIIL